The following is an entry in ClinVar:

NM_019109.5(ALG1):c.1090G>A (p.Val364Ile)

Gene: ALG1 (ALG1 chitobiosyldiphosphodolichol beta-mannosyltransferase; plus strand). Cytogenetic location: 16p13.3.
Variant type: single nucleotide variant.
Coding change: c.1090G>A on transcript NM_019109.5 (MANE Select); coding-DNA position 1090, G replaced by A.
Protein change: p.Val364Ile; replaces valine 364 with isoleucine.
Molecular consequence: missense variant.
Genome position (GRCh38, 1-based): chr16:5,082,576, G>A. VCF-style: chr16-5082576-G-A. GRCh37 (hg19) VCF-style: chr16-5132577-G-A.
Other names: c.757G>A, p.Val253Ile (NM_001330504.2); short protein forms V364I, V253I.
Identifiers: ClinVar variation 1961011 (VCV001961011.5), dbSNP rs1293522169, ClinGen allele CA394673771.
Genomic context (GRCh38, chr16:5,082,576, plus strand): 5'-AGGGCAGAGACCAGTGCTCTGACCCACCCCTCTTGCCTAGCAGGGTCGGCGGACCTGGGT[G>A]TCTGTCTGCACACGTCCTCCAGTGGCCTGGACCTGCCCATGAAGGTGGTGGACATGTTCG-3'
Protein context (NP_061982.3, residues 354-374): PLLLGSADLG[Val364Ile]CLHTSSSGLD

ClinVar aggregate classification (germline): Uncertain significance (1 of 4 stars; one submission).

Conditions:
ALG1-congenital disorder of glycosylation. Also called: ALG1-CDG; CDG Ik; CONGENITAL DISORDER OF GLYCOSYLATION, TYPE Ik. Identifiers: Orphanet 79327, MedGen C2931005, MONDO:0012052, OMIM 608540.

Allele frequency attached by ClinVar (database versions not stated): gnomAD exomes below 0.00001; gnomAD 0.00001.
gnomAD v4.1: 6 of 1,611,896 alleles (0.00037%); highest among the groups gnomAD compares: African/African-American, 0.0013%; no homozygotes.

Submission:

Labcorp Genetics (formerly Invitae), Labcorp
Classification: Uncertain significance for ALG1-congenital disorder of glycosylation. Last evaluated: 2022-07-09. Review status: criteria provided, single submitter. Criteria: Invitae Variant Classification Sherloc (09022015). Collection method: clinical testing. Allele origin: germline.
Comment: Advanced modeling of protein sequence and biophysical properties (such as structural, functional, and spatial information, amino acid conservation, physicochemical variation, residue mobility, and thermodynamic stability) performed at Invitae indicates that this missense variant is expected to disrupt ALG1 protein function. This variant has not been reported in the literature in individuals affected with ALG1-related conditions. This variant is present in population databases (no rsID available, gnomAD 0.01%). This sequence change replaces valine, which is neutral and non-polar, with isoleucine, which is neutral and non-polar, at codon 364 of the ALG1 protein (p.Val364Ile). In summary, the available evidence is currently insufficient to determine the role of this variant in disease. Therefore, it has been classified as a Variant of Uncertain Significance.